The following is an entry in ClinVar:

ClinVar aggregate classification (germline): Uncertain significance (1 of 4 stars; one submission).

Conditions:
Wilson disease (WND). Also called: Wilson's disease. Identifiers: Orphanet 905, MedGen C0019202, MONDO:0010200, OMIM 277900. Disease mechanism: loss of function.

Allele frequency attached by ClinVar (database versions not stated): gnomAD exomes below 0.00001.
gnomAD v4.1: 1 of 1,614,072 alleles (0.000062%); highest among the groups gnomAD compares: Non-Finnish European, 0.000085%; no homozygotes.

Submission:

Labcorp Genetics (formerly Invitae), Labcorp
Classification: Uncertain significance for Wilson disease. Last evaluated: 2020-11-22. Review status: criteria provided, single submitter. Criteria: Invitae Variant Classification Sherloc (09022015). Collection method: clinical testing. Allele origin: germline.
Comment: In summary, the available evidence is currently insufficient to determine the role of this variant in disease. Therefore, it has been classified as a Variant of Uncertain Significance. Advanced modeling of protein sequence and biophysical properties (such as structural, functional, and spatial information, amino acid conservation, physicochemical variation, residue mobility, and thermodynamic stability) performed at Invitae indicates that this missense variant is not expected to disrupt ATP7B protein function. This variant has not been reported in the literature in individuals with ATP7B-related conditions. This variant is not present in population databases (ExAC no frequency). This sequence change replaces isoleucine with methionine at codon 263 of the ATP7B protein (p.Ile263Met). The isoleucine residue is moderately conserved and there is a small physicochemical difference between isoleucine and methionine.

NM_000053.4(ATP7B):c.789A>G (p.Ile263Met)

Gene: ATP7B (ATPase copper transporting beta; minus strand). Cytogenetic location: 13q14.3.
Variant type: single nucleotide variant.
Coding change: c.789A>G on transcript NM_000053.4 (MANE Select); coding-DNA position 789, A replaced by G.
Protein change: p.Ile263Met; replaces isoleucine 263 with methionine.
Molecular consequence: missense variant.
Genome position (GRCh38, 1-based): chr13:51,974,431, T>C on the plus strand (A>G on the coding strand, the complement: ATP7B is on the minus strand). VCF-style: chr13-51974431-T-C. GRCh37 (hg19) VCF-style: chr13-52548567-T-C.
Other names: c.789A>G, p.Ile263Met (NM_001005918.3, NM_001243182.2, NM_001330578.2 and 1 more transcripts); short protein forms I263M.
Identifiers: ClinVar variation 1472210 (VCV001472210.8), dbSNP rs2140089802, ClinGen allele CA388041384.